The following is an entry in ClinVar:

NM_000540.3(RYR1):c.2871-4G>T

Gene: RYR1 (ryanodine receptor 1; plus strand). Cytogenetic location: 19q13.2.
Variant type: single nucleotide variant.
Coding change: c.2871-4G>T on transcript NM_000540.3 (MANE Select); 4 bases into the intron before coding-DNA position 2871, G replaced by T.
Molecular consequence: intron variant.
Genome position (GRCh38, 1-based): chr19:38,466,087, G>T. VCF-style: chr19-38466087-G-T. GRCh37 (hg19) VCF-style: chr19-38956727-G-T.
Other names: c.2871-4G>T (NM_001042723.2).
Identifiers: ClinVar variation 590507 (VCV000590507.11), dbSNP rs762932739, ClinGen allele CA064156.

ClinVar aggregate classification (germline): Likely benign. Review status: criteria provided, multiple submitters, no conflicts (2 of 4 stars). 4 submissions from 4 submitters: Likely benign (4). Last evaluated 2024-08-29.

Conditions:
RYR1-related disorder. Also called: RYR1-related disorders; RYR1-related condition. Identifiers: MedGen CN239331.
Malignant hyperthermia, susceptibility to, 1 (MHS1). Also called: Anesthesia related hyperthermia; Malignant hyperpyrexia; Fulminating hyperpyrexia; Pharmacogenic myopathy; RYR1-Related Malignant Hyperthermia Susceptibility; Malignant hyperthermia suceptibility 1. Identifiers: Orphanet 423, MedGen C2930980, MONDO:0007783, OMIM 145600.

Allele frequency attached by ClinVar (database versions not stated): ExAC 0.00001.
gnomAD v4.1: 12 of 1,606,396 alleles (0.00075%); highest among the groups gnomAD compares: South Asian, 0.0045%; no homozygotes.

Submissions (4):

Labcorp Genetics (formerly Invitae), Labcorp
Classification: Likely benign for RYR1-related disorder. Last evaluated: 2024-08-29. Review status: criteria provided, single submitter. Criteria: Invitae Variant Classification Sherloc (09022015). Collection method: clinical testing. Allele origin: germline.

All of Us Research Program, National Institutes of Health
Classification: Likely benign for Malignant hyperthermia, susceptibility to, 1. Last evaluated: 2023-05-15. Review status: criteria provided, single submitter. Criteria: ACMG Guidelines, 2015. Collection method: clinical testing. Allele origin: germline. Inheritance: Autosomal dominant inheritance. Observed: 3 variant alleles, 3 heterozygotes.
Comment: This study involves interpretation of variants in research participants for the purpose of population health screening. Participant phenotype was not available at the time of variant classification. Additional details can be found in publication PMID: 35346344, PMCID: PMC8962531

Color Diagnostics, LLC DBA Color Health
Classification: Likely benign for Malignant hyperthermia, susceptibility to, 1. Last evaluated: 2023-01-12. Review status: criteria provided, single submitter. Criteria: ACMG Guidelines, 2015. Collection method: clinical testing. Allele origin: germline.

PreventionGenetics, part of Exact Sciences
Classification: Likely benign. Last evaluated: 2017-06-29. Review status: criteria provided, single submitter. Criteria: ACMG Guidelines, 2015. Collection method: clinical testing. Allele origin: germline.